The following is an entry in ClinVar:

NM_002529.4(NTRK1):c.1241C>T (p.Thr414Ile)

Gene: NTRK1 (neurotrophic receptor tyrosine kinase 1; plus strand). Cytogenetic location: 1q23.1.
Variant type: single nucleotide variant.
Coding change: c.1241C>T on transcript NM_002529.4 (MANE Select); coding-DNA position 1241, C replaced by T.
Protein change: p.Thr414Ile; replaces threonine 414 with isoleucine.
Molecular consequence: missense variant.
Genome position (GRCh38, 1-based): chr1:156,874,616, C>T. VCF-style: chr1-156874616-C-T. GRCh37 (hg19) VCF-style: chr1-156844408-C-T.
Other names: c.1133C>T, p.Thr378Ile (NM_001007792.1); c.1223C>T, p.Thr408Ile (NM_001012331.2); short protein forms T408I, T414I, T378I.
Identifiers: ClinVar variation 3716740 (VCV003716740.2).

ClinVar aggregate classification (germline): Uncertain significance (1 of 4 stars; one submission).

Conditions:
Hereditary insensitivity to pain with anhidrosis (CIPA). Also called: NTRK1 Congenital Insensitivity to Pain with Anhidrosis; INSENSITIVITY TO PAIN, CONGENITAL, WITH ANHIDROSIS; hereditary sensory and autonomic neuropathy type 4; NEUROPATHY, CONGENITAL SENSORY, WITH ANHIDROSIS; HSAN Type IV; FAMILIAL DYSAUTONOMIA, TYPE II. Identifiers: Orphanet 642, MedGen C0020074, MONDO:0009746, OMIM 256800.

Submission:

Labcorp Genetics (formerly Invitae), Labcorp
Classification: Uncertain significance for Hereditary insensitivity to pain with anhidrosis. Last evaluated: 2024-11-29. Review status: criteria provided, single submitter. Criteria: Invitae Variant Classification Sherloc (09022015). Collection method: clinical testing. Allele origin: germline.
Comment: This sequence change replaces threonine, which is neutral and polar, with isoleucine, which is neutral and non-polar, at codon 408 of the NTRK1 protein (p.Thr408Ile). This variant is present in population databases (rs751231044, gnomAD 0.0009%). This variant has not been reported in the literature in individuals affected with NTRK1-related conditions. Invitae Evidence Modeling of protein sequence and biophysical properties (such as structural, functional, and spatial information, amino acid conservation, physicochemical variation, residue mobility, and thermodynamic stability) indicates that this missense variant is not expected to disrupt NTRK1 protein function with a negative predictive value of 95%. In summary, the available evidence is currently insufficient to determine the role of this variant in disease. Therefore, it has been classified as a Variant of Uncertain Significance.